The following is an entry in ClinVar:

ClinVar aggregate classification (germline): Conflicting classifications of pathogenicity. Review status: criteria provided, conflicting classifications (1 of 4 stars). 2 submissions from 2 submitters: Uncertain significance (1); Likely benign (1). Last evaluated 2025-10-21.

gnomAD v4.1: 185 of 1,613,904 alleles (0.011%); highest among the groups gnomAD compares: South Asian, 0.057%; 1 homozygote.

Submissions (2):

Labcorp Genetics (formerly Invitae), Labcorp
Classification: Uncertain significance. Last evaluated: 2025-10-21. Review status: criteria provided, single submitter. Criteria: Invitae Variant Classification Sherloc (09022015). Collection method: clinical testing. Allele origin: germline.
Comment: This sequence change replaces arginine, which is basic and polar, with glutamine, which is neutral and polar, at codon 164 of the DNAH9 protein (p.Arg164Gln). This variant is present in population databases (rs558183570, gnomAD 0.06%). This variant has not been reported in the literature in individuals affected with DNAH9-related conditions. An algorithm developed to predict the effect of missense changes on protein structure and function outputs the following: PolyPhen-2: "Benign". The glutamine amino acid residue is found in multiple mammalian species, which suggests that this missense change does not adversely affect protein function. In summary, the available evidence is currently insufficient to determine the role of this variant in disease. Therefore, it has been classified as a Variant of Uncertain Significance.

Blueprint Genetics
Classification: Likely benign. Last evaluated: 2024-07-11. Review status: criteria provided, single submitter. Criteria: ACMG Guidelines, 2015. Collection method: clinical testing. Allele origin: germline.

NM_001372.4(DNAH9):c.491G>A (p.Arg164Gln)

Gene: DNAH9 (dynein axonemal heavy chain 9; plus strand). Cytogenetic location: 17p12.
Variant type: single nucleotide variant.
Coding change: c.491G>A on transcript NM_001372.4 (MANE Select); coding-DNA position 491, G replaced by A.
Protein change: p.Arg164Gln; replaces arginine 164 with glutamine.
Molecular consequence: missense variant.
Genome position (GRCh38, 1-based): chr17:11,608,202, G>A. VCF-style: chr17-11608202-G-A. GRCh37 (hg19) VCF-style: chr17-11511519-G-A.
Other names: short protein forms R164Q.
Identifiers: ClinVar variation 4753744 (VCV004753744.2).
Genomic context (GRCh38, chr17:11,608,202, plus strand): 5'-TCCTGGCCAATGAGAAGAATCGCCTAAACTGGCCCCACATGATATGTGAGGATGTCAGGC[G>A]GCACGCCCACAGCCTCCAATGTGACCTCTCAGTTATACTTGAGCAAGTGAAGGGAAAAAC-3'
Protein context (NP_001363.2, residues 154-174): WPHMICEDVR[Arg164Gln]HAHSLQCDLS